The following is an entry in ClinVar:

ClinVar aggregate classification (germline): Pathogenic (1 of 4 stars; one submission).

Conditions:
Hemochromatosis type 2A (HFE2A). Also called: Adult-Onset Hemochromatosis; HJV (HFE2)-Related Juvenile Hemochromatosis. Identifiers: Orphanet 79230, MedGen C1865614, MONDO:0011216, OMIM 602390.

Submission:

Labcorp Genetics (formerly Invitae), Labcorp
Classification: Pathogenic for Hemochromatosis type 2A. Last evaluated: 2018-02-23. Review status: criteria provided, single submitter. Criteria: Invitae Variant Classification Sherloc (09022015). Collection method: clinical testing. Allele origin: germline.
Comment: A gross deletion of the genomic region encompassing the full coding sequence of the HFE2 gene has been identified. The boundaries of this event are unknown as the deletion extends beyond the assayed region for this gene and therefore may encompass additional genes. This variant has not been reported in the literature in individuals with HFE2-related disease. Loss-of-function variants in HFE2 are known to be pathogenic (PMID: 20301349, 22408404). For these reasons, this variant has been classified as Pathogenic.

NC_000001.10:g.(?_145414782)_(145474819_?)del

Genes: ANKRD34A (ankyrin repeat domain 34A; minus strand), HJV (hemojuvelin BMP co-receptor; minus strand), POLR3GL (RNA polymerase III subunit GL; plus strand), TXNIP (thioredoxin interacting protein; minus strand). Cytogenetic location: 1q21.1.
Variant type: Deletion.
Identifiers: ClinVar variation 583553 (VCV000583553.1).